The following is an entry in ClinVar:

ClinVar aggregate classification (germline): Uncertain significance. Review status: criteria provided, multiple submitters, no conflicts (2 of 4 stars). 2 submissions from 2 submitters: Uncertain significance (2). Last evaluated 2024-05-26.

Conditions:
Inborn genetic diseases. Identifiers: MedGen C0950123, MeSH D030342.
Nemaline myopathy 6 (NEM6). Also called: Nemaline myopathy 6, autosomal dominant. Identifiers: Orphanet 171439, MedGen C1836472, MONDO:0012237, OMIM 609273.

Allele frequency attached by ClinVar (database versions not stated): ExAC 0.00009.
gnomAD v4.1: 12 of 1,523,536 alleles (0.00079%); highest among the groups gnomAD compares: Admixed American, 0.004%; no homozygotes.

Submissions (2):

Ambry Genetics
Classification: Uncertain significance for Inborn genetic diseases. Last evaluated: 2024-05-26. Review status: criteria provided, single submitter. Criteria: Ambry Variant Classification Scheme 2023. Collection method: clinical testing. Allele origin: germline.

Labcorp Genetics (formerly Invitae), Labcorp
Classification: Uncertain significance for Nemaline myopathy 6. Last evaluated: 2023-05-22. Review status: criteria provided, single submitter. Criteria: Invitae Variant Classification Sherloc (09022015). Collection method: clinical testing. Allele origin: germline.
Comment: This variant has not been reported in the literature in individuals affected with KBTBD13-related conditions. ClinVar contains an entry for this variant (Variation ID: 1972366). Advanced modeling of protein sequence and biophysical properties (such as structural, functional, and spatial information, amino acid conservation, physicochemical variation, residue mobility, and thermodynamic stability) performed at Invitae indicates that this missense variant is not expected to disrupt KBTBD13 protein function. In summary, the available evidence is currently insufficient to determine the role of this variant in disease. Therefore, it has been classified as a Variant of Uncertain Significance. This variant is present in population databases (rs752222694, gnomAD 0.01%). This sequence change replaces glutamic acid, which is acidic and polar, with glutamine, which is neutral and polar, at codon 98 of the KBTBD13 protein (p.Glu98Gln).

NM_001101362.3(KBTBD13):c.292G>C (p.Glu98Gln)

Gene: KBTBD13 (kelch repeat and BTB domain containing 13; plus strand). Cytogenetic location: 15q22.31.
Variant type: single nucleotide variant.
Coding change: c.292G>C on transcript NM_001101362.3 (MANE Select); coding-DNA position 292, G replaced by C.
Protein change: p.Glu98Gln; replaces glutamic acid 98 with glutamine.
Molecular consequence: missense variant.
Genome position (GRCh38, 1-based): chr15:65,077,107, G>C. VCF-style: chr15-65077107-G-C. GRCh37 (hg19) VCF-style: chr15-65369445-G-C.
Other names: short protein forms E98Q.
Identifiers: ClinVar variation 1972366 (VCV001972366.6), dbSNP rs752222694, ClinGen allele CA7613922.